The following is an entry in ClinVar:

NM_024876.4(COQ8B):c.1035+1G>C

Gene: COQ8B (coenzyme Q8B; minus strand). Cytogenetic location: 19q13.2.
Variant type: single nucleotide variant.
Coding change: c.1035+1G>C on transcript NM_024876.4 (MANE Select); the canonical splice donor site of the intron after coding-DNA position 1035, G replaced by C.
Molecular consequence: splice donor variant.
Genome position (GRCh38, 1-based): chr19:40,700,309, C>G on the plus strand (G>C on the coding strand, the complement: COQ8B is on the minus strand). VCF-style: chr19-40700309-C-G. GRCh37 (hg19) VCF-style: chr19-41206214-C-G.
Other names: c.912+1G>C (NM_001142555.3).
Identifiers: ClinVar variation 4884204 (VCV004884204.2).
Genomic context (GRCh38, chr19:40,700,309, plus strand): 5'-ATGAGCCTGGCCCACCCGCCCTGGGGCCATGCCCTTCCCACTGTGCCACCAGACAGCATA[C>G]CTGGTTCCGCAGGTCCTGGCTTAGGCCCTGGCACTGGTCCAGGGGGACCCCTCCAGCCAG-3'

ClinVar aggregate classification (germline): Likely pathogenic (1 of 4 stars; one submission).

Submission:

Dasa
Classification: Likely pathogenic. Last evaluated: 2026-01-08. Review status: criteria provided, single submitter. Criteria: DASA Assertion Criteria. Collection method: clinical testing. Allele origin: germline.
Comment: NM_024876.4(COQ8B):c.1035+1G>C affects a canonical splice site and is predicted to disrupt normal RNA splicing. Loss of function is an established disease mechanism for COQ8B-associated disorders. Also, this variant is rare in population databases. Based on the currently available evidence, this variant is classified as likely pathogenic.